The following is an entry in ClinVar:

NM_033159.4(HYAL1):c.203G>A (p.Gly68Asp)

Gene: HYAL1 (hyaluronidase 1; minus strand). Cytogenetic location: 3p21.31.
Variant type: single nucleotide variant.
Coding change: c.203G>A on transcript NM_033159.4 (MANE Select); coding-DNA position 203, G replaced by A.
Protein change: p.Gly68Asp; replaces glycine 68 with aspartic acid.
Molecular consequence: missense variant. On other transcripts: non-coding transcript variant (1), intron variant (2).
Genome position (GRCh38, 1-based): chr3:50,302,754, C>T on the plus strand (G>A on the coding strand, the complement: HYAL1 is on the minus strand). VCF-style: chr3-50302754-C-T. GRCh37 (hg19) VCF-style: chr3-50340185-C-T.
Other names: c.203G>A, p.Gly68Asp (NM_007312.3, NM_153281.2, NM_153282.3); c.-26-549G>A (NM_153285.3); c.-213-131G>A (NM_153283.3); short protein forms G68D.
Identifiers: ClinVar variation 2141322 (VCV002141322.1), dbSNP rs2470852331, ClinGen allele CA352896432.

ClinVar aggregate classification (germline): Uncertain significance (1 of 4 stars; one submission).

Conditions:
Deficiency of hyaluronoglucosaminidase (MPS9). Also called: HYALURONIDASE DEFICIENCY; MPS IX; Mucopolysaccharidosis type 9. Identifiers: Orphanet 67041, MedGen C1291490, MONDO:0011093, OMIM 601492.

Allele frequency attached by ClinVar (database versions not stated): gnomAD exomes below 0.00001.

Submission:

Labcorp Genetics (formerly Invitae), Labcorp
Classification: Uncertain significance for Deficiency of hyaluronoglucosaminidase. Last evaluated: 2022-01-10. Review status: criteria provided, single submitter. Criteria: Invitae Variant Classification Sherloc (09022015). Collection method: clinical testing. Allele origin: germline.
Comment: This sequence change replaces glycine, which is neutral and non-polar, with aspartic acid, which is acidic and polar, at codon 68 of the HYAL1 protein (p.Gly68Asp). This variant is not present in population databases (gnomAD no frequency). This variant has not been reported in the literature in individuals affected with HYAL1-related conditions. Algorithms developed to predict the effect of missense changes on protein structure and function (SIFT, PolyPhen-2, Align-GVGD) all suggest that this variant is likely to be disruptive. In summary, the available evidence is currently insufficient to determine the role of this variant in disease. Therefore, it has been classified as a Variant of Uncertain Significance.